The following is an entry in ClinVar:

NM_014679.5(CEP57):c.45+11_45+12insGCCGGGCGCGGTGGCTCACGCCTGTAATCCCAGCACTTTGGGAGGCCGAGGCGGGTGGATCATGAGGTCAGNNNNNNNNNNAAAAAAAAAAAAAAAAAAAAAAGAAGCAG

Genes: CEP57 (centrosomal protein 57; plus strand), LOC130006618 (ATAC-STARR-seq lymphoblastoid active region 5417; plus strand). Cytogenetic location: 11q21.
Variant type: Microsatellite.
Coding change: c.45+11_45+12insGCCGGGCGCGGTGGCTCACGCCTGTAATCCCAGCACTTTGGGAGGCCGAGGCGGGTGGATCATGAGGTCAGNNNNNNNNNNAAAAAAAAAAAAAAAAAAAAAAGAAGCAG on transcript NM_014679.5 (MANE Select); bases 11 to 12 of the intron after coding-DNA position 45, GCCGGGCGCGGTGGCTCACGCCTGTAATCCCAGCACTTTGGGAGGCCGAGGCGGGTGGATCATGAGGTCAGNNNNNNNNNNAAAAAAAAAAAAAAAAAAAAAAGAAGCAG inserted.
Molecular consequence: intron variant.
Genome position: GRCh38: chr11:95,790,746-95,790,754. GRCh37 (hg19): chr11:95,523,910-95,523,918.
Other names: c.-350+11_-350+12insGCCGGGCGCGGTGGCTCACGCCTGTAATCCCAGCACTTTGGGAGGCCGAGGCGGGTGGATCATGAGGTCAGNNNNNNNNNNAAAAAAAAAAAAAAAAAAAAAAGAAGCAG (NM_001363604.2); c.-27+11_-27+12insGCCGGGCGCGGTGGCTCACGCCTGTAATCCCAGCACTTTGGGAGGCCGAGGCGGGTGGATCATGAGGTCAGNNNNNNNNNNAAAAAAAAAAAAAAAAAAAAAAGAAGCAG (NM_001243776.2); c.45+11_45+12insGCCGGGCGCGGTGGCTCACGCCTGTAATCCCAGCACTTTGGGAGGCCGAGGCGGGTGGATCATGAGGTCAGNNNNNNNNNNAAAAAAAAAAAAAAAAAAAAAAGAAGCAG (NM_001243777.2).
Identifiers: ClinVar variation 2033829 (VCV002033829.4).

ClinVar aggregate classification (germline): Uncertain significance (1 of 4 stars; one submission).

Conditions:
Mosaic variegated aneuploidy syndrome 2 (MVA2). Identifiers: Orphanet 1052, MedGen C3279843, MONDO:0013582, OMIM 614114.

Submission:

Labcorp Genetics (formerly Invitae), Labcorp
Classification: Uncertain significance for Mosaic variegated aneuploidy syndrome 2. Last evaluated: 2024-06-10. Review status: criteria provided, single submitter. Criteria: Invitae Variant Classification Sherloc (09022015). Collection method: clinical testing. Allele origin: germline.
Comment: This sequence change falls in intron 1 of the CEP57 gene. It does not directly change the encoded amino acid sequence of the CEP57 protein. This variant is not present in population databases (gnomAD no frequency). This variant has not been reported in the literature in individuals affected with CEP57-related conditions. Experimental studies and prediction algorithms are not available or were not evaluated, and the effect of this variant on mRNA splicing is currently unknown. In summary, the available evidence is currently insufficient to determine the role of this variant in disease. Therefore, it has been classified as a Variant of Uncertain Significance.